The following is an entry in ClinVar:

NM_001287.6(CLCN7):c.17A>T (p.Lys6Met)

Genes: CLCN7 (chloride voltage-gated channel 7; minus strand), LOC130058166 (ATAC-STARR-seq lymphoblastoid silent region 6986; plus strand). Cytogenetic location: 16p13.3.
Variant type: single nucleotide variant.
Coding change: c.17A>T on transcript NM_001287.6 (MANE Select); coding-DNA position 17, A replaced by T.
Protein change: p.Lys6Met; replaces lysine 6 with methionine.
Molecular consequence: missense variant.
Genome position (GRCh38, 1-based): chr16:1,474,958, T>A on the plus strand (A>T on the coding strand, the complement: CLCN7 is on the minus strand). VCF-style: chr16-1474958-T-A. GRCh37 (hg19) VCF-style: chr16-1524959-T-A.
Other names: c.17A>T, p.Lys6Met (NM_001114331.3); short protein forms K6M.
Identifiers: ClinVar variation 2095460 (VCV002095460.4), dbSNP rs1015692728, ClinGen allele CA276630175.

ClinVar aggregate classification (germline): Uncertain significance (1 of 4 stars; one submission).

Allele frequency attached by ClinVar (database versions not stated): gnomAD 0.00001; TOPMed 0.00001.
gnomAD v4.1: 1 of 1,488,440 alleles (0.000067%); highest among the groups gnomAD compares: African/African-American, 0.0015%; no homozygotes.

Submission:

Labcorp Genetics (formerly Invitae), Labcorp
Classification: Uncertain significance. Last evaluated: 2024-06-13. Review status: criteria provided, single submitter. Criteria: Invitae Variant Classification Sherloc (09022015). Collection method: clinical testing. Allele origin: germline.
Comment: This sequence change replaces lysine, which is basic and polar, with methionine, which is neutral and non-polar, at codon 6 of the CLCN7 protein (p.Lys6Met). This variant is not present in population databases (gnomAD no frequency). This variant has not been reported in the literature in individuals affected with CLCN7-related conditions. ClinVar contains an entry for this variant (Variation ID: 2095460). Advanced modeling of protein sequence and biophysical properties (such as structural, functional, and spatial information, amino acid conservation, physicochemical variation, residue mobility, and thermodynamic stability) performed at Invitae indicates that this missense variant is expected to disrupt CLCN7 protein function with a positive predictive value of 95%. In summary, the available evidence is currently insufficient to determine the role of this variant in disease. Therefore, it has been classified as a Variant of Uncertain Significance.